The following is an entry in ClinVar:

ClinVar aggregate classification (germline): Uncertain significance (1 of 4 stars; one submission).

Conditions:
LAMA2-related muscular dystrophy (LAMA2-RD). Also called: Laminin alpha 2-related dystrophy. Identifiers: MedGen C5679788, MONDO:0100228.

Submission:

Myriad Genetics, Inc.
Classification: Uncertain significance for LAMA2-related muscular dystrophy. Last evaluated: 2026-06-30. Review status: criteria provided, single submitter. Criteria: Myriad Autosomal Dominant, Autosomal Recessive and X-Linked Classification Criteria (2023). Collection method: clinical testing. Allele origin: unknown.
Comment: NM_000426.3(LAMA2):c.5235-12G>A is an intronic variant classified as a variant of uncertain significance in the context of muscular dystrophy, LAMA2-related. c.5235-12G>A has been observed in cases with relevant disease (PMID: 39213089). Relevant functional assessments of this variant are not available in the literature. c.5235-12G>A has not been observed in referenced population frequency databases. In summary, there is insufficient evidence to classify NM_000426.3(LAMA2):c.5235-12G>A as pathogenic or benign. Please note: this variant was assessed in the context of healthy population screening.

Literature cited by the submitters: PubMed 39213089.

NM_000426.4(LAMA2):c.5235-12G>A

Gene: LAMA2 (laminin subunit alpha 2; plus strand). Cytogenetic location: 6q22.33.
Variant type: single nucleotide variant.
Coding change: c.5235-12G>A on transcript NM_000426.4 (MANE Select); 12 bases into the intron before coding-DNA position 5235, G replaced by A.
Molecular consequence: intron variant.
Genome position (GRCh38, 1-based): chr6:129,393,033, G>A. VCF-style: chr6-129393033-G-A. GRCh37 (hg19) VCF-style: chr6-129714178-G-A.
Other names: c.5235-12G>A (NM_001079823.2).
Identifiers: ClinVar variation 5003783 (VCV005003783.1).